The following is an entry in ClinVar:

ClinVar aggregate classification (germline): Likely pathogenic (1 of 4 stars; one submission).

Conditions:
Global developmental delay with speech and behavioral abnormalities. Identifiers: MedGen C5543226, MONDO:0030995, OMIM 619243.

Submission:

Clinical Genomics Laboratory, Washington University in St. Louis
Classification: Likely pathogenic for Global developmental delay with speech and behavioral abnormalities. Last evaluated: 2023-07-26. Review status: criteria provided, single submitter. Criteria: ACMG Guidelines, 2015. Collection method: clinical testing. Allele origin: germline. Affected: yes.
Comment: The TNRC6B c.3056del (p.Gly1019fs) variant, to our knowledge, has not been reported in the medical literature and is absent from the general population (gnomAD v.2.1.1), indicating it is not a common variant. This variant causes a frameshift by deleting a single nucleotide, leading to a premature termination codon, which is predicted to lead to nonsense mediated decay. Additionally, other variants that introduce premature termination codons have been described in this region and are considered pathogenic (Granadillo JL et al., PMID: 32152250). Based on available information and the ACMG/AMP guidelines for variant interpretation (Richards S et al., PMID: 25741868), this variant is classified as likely pathogenic.

NM_001162501.2(TNRC6B):c.3056del (p.Gly1019fs)

Gene: TNRC6B (trinucleotide repeat containing adaptor 6B; plus strand). Cytogenetic location: 22q13.1.
Variant type: Deletion.
Coding change: c.3056del on transcript NM_001162501.2 (MANE Select); coding-DNA position 3056, one base deleted (G; older notation c.3056delG).
Protein change: p.Gly1019fs; shifts the reading frame from glycine 1019.
Molecular consequence: frameshift variant.
Genome position (GRCh38, 1-based): chr22:40,273,515, G deleted; the last of 2 consecutive G bases (chr22:40,273,514-40,273,515); deleting either gives the same sequence. VCF-style (leftmost placement, unchanged base first): chr22-40273513-AG-A. GRCh37 (hg19) VCF-style: chr22-40669517-AG-A.
Other names: c.815del, p.Gly272fs (NM_001024843.2); c.2897del, p.Gly966fs (NM_015088.3); short protein forms G1019fs, G272fs, G966fs.
Identifiers: ClinVar variation 2672175 (VCV002672175.1), dbSNP rs2517996716, ClinGen allele CA2695200124.